The following is an entry in ClinVar:

ClinVar aggregate classification (germline): Likely pathogenic. Review status: criteria provided, single submitter (1 of 4 stars). 2 submissions from 2 submitters: Likely pathogenic (1). 1 of the submissions does not count toward it. Last evaluated 2019-07-28.

Conditions:
Hearing loss, autosomal recessive 114. Also called: Deafness, autosomal recessive 114. Identifiers: MedGen C5193107, MONDO:0032761, OMIM 618456.

Allele frequency attached by ClinVar (database versions not stated): gnomAD exomes below 0.00001 and 0.00001; gnomAD 0.00001 and 0.00003; TOPMed 0.00003; ESP Exome Variant Server 0.00008; 1000 Genomes Project 30x 0.00016; 1000 Genomes Project 0.00020.
gnomAD v4.1: 18 of 1,611,592 alleles (0.0011%); highest among the groups gnomAD compares: Non-Finnish European, 0.0014%; no homozygotes.

Submissions (2):

SIB Swiss Institute of Bioinformatics
Classification: Likely pathogenic for Hearing loss, autosomal recessive 114. Last evaluated: 2019-07-28. Review status: criteria provided, single submitter. Criteria: ACMG Guidelines, 2015. Collection method: curation. Allele origin: unknown.
Comment: This variant is interpreted as a Likely pathogenic for Deafness, autosomal recessive, 114. The following ACMG Tag(s) were applied: PM2, PP1, PS3, PM3-Supporting.

OMIM
Classification: Pathogenic for DEAFNESS, AUTOSOMAL RECESSIVE 114. Last evaluated: 2021-08-03. Review status: no assertion criteria provided. Collection method: literature only. Allele origin: germline. Not counted in ClinVar's aggregate classification.

Literature cited by the submitters: PubMed 30610177 (cited by SIB Swiss Institute of Bioinformatics and OMIM).

NM_006613.4(GRAP):c.311A>T (p.Gln104Leu)

Gene: GRAP (GRB2 related adaptor protein; minus strand). Cytogenetic location: 17p11.2.
Variant type: single nucleotide variant.
Coding change: c.311A>T on transcript NM_006613.4 (MANE Select); coding-DNA position 311, A replaced by T.
Protein change: p.Gln104Leu; replaces glutamine 104 with leucine.
Molecular consequence: missense variant. On other transcripts: intron variant (1).
Genome position (GRCh38, 1-based): chr17:19,024,372, T>A on the plus strand (A>T on the coding strand, the complement: GRAP is on the minus strand). VCF-style: chr17-19024372-T-A. GRCh37 (hg19) VCF-style: chr17-18927685-T-A.
Other names: c.300-2228A>T (NM_001330148.2); short protein forms Q104L.
Identifiers: ClinVar variation 633599 (VCV000633599.4), dbSNP rs370564476, ClinGen allele CA288507329.
Genomic context (GRCh38, chr17:19,024,372, plus strand): 5'-TTCTCCTCCCACAGGAAGTACTTCCCCGAGGCCTCACGCAGCACCTTGAAGTGCTGCACC[T>A]GGTCTCCATAGCTAGGGGAAAGGACCCGGGGCCACCTCAGGTGGTGGCCGTCCCAGCCTG-3'
Protein context (NP_006604.1, residues 94-114): EFSVSVNYGD[Gln104Leu]VQHFKVLREA